The following is an entry in ClinVar:

NM_130837.3(OPA1):c.559C>T (p.His187Tyr)

Gene: OPA1 (OPA1 mitochondrial dynamin like GTPase; plus strand). Cytogenetic location: 3q29.
Variant type: single nucleotide variant.
Coding change: c.559C>T on transcript NM_130837.3 (MANE Select); coding-DNA position 559, C replaced by T.
Protein change: p.His187Tyr; replaces histidine 187 with tyrosine.
Molecular consequence: missense variant. On other transcripts: intron variant (6).
Genome position (GRCh38, 1-based): chr3:193,617,786, C>T. VCF-style: chr3-193617786-C-T. GRCh37 (hg19) VCF-style: chr3-193335575-C-T.
Other names: c.451C>T, p.His151Tyr (NM_130832.3, NM_130835.3); c.559C>T, p.His187Tyr (NM_130834.3); c.184+501C>T (NM_001354664.2); c.77-1083C>T (NM_001354663.2); c.556+501C>T (NM_130836.3, NM_015560.3); c.449-1083C>T (NM_130833.3, NM_130831.3); short protein forms H151Y, H187Y.
Identifiers: ClinVar variation 1648482 (VCV001648482.8), dbSNP rs374756648, ClinGen allele CA2759061.

ClinVar aggregate classification (germline): Uncertain significance (1 of 4 stars; one submission).

Allele frequency attached by ClinVar (database versions not stated): gnomAD exomes below 0.00001 and 0.00001; ExAC 0.00001; gnomAD 0.00001; TOPMed 0.00003; ESP Exome Variant Server 0.00008.
gnomAD v4.1: 18 of 1,610,750 alleles (0.0011%); highest among the groups gnomAD compares: Middle Eastern, 0.033%; no homozygotes.

Submission:

Labcorp Genetics (formerly Invitae), Labcorp
Classification: Uncertain significance. Last evaluated: 2025-10-29. Review status: criteria provided, single submitter. Criteria: Invitae Variant Classification Sherloc (09022015). Collection method: clinical testing. Allele origin: germline.
Comment: The OPA1 gene has multiple clinically relevant transcripts. This variant occurs in alternate transcript NM_130837.2, and corresponds to NM_015560.2:c.556+501C>T in the primary transcript. This sequence change replaces histidine, which is basic and polar, with tyrosine, which is neutral and polar, at codon 187 of the OPA1 protein (p.His187Tyr). This variant is present in population databases (rs374756648, gnomAD 0.0009%). This variant has not been reported in the literature in individuals affected with OPA1-related conditions. ClinVar contains an entry for this variant (Variation ID: 1648482). Experimental studies and prediction algorithms are not available or were not evaluated, and the functional significance of this variant is currently unknown. Algorithms developed to predict the effect of sequence changes on RNA splicing suggest that this variant is not likely to affect RNA splicing. In summary, the available evidence is currently insufficient to determine the role of this variant in disease. Therefore, it has been classified as a Variant of Uncertain Significance.